The following is an entry in ClinVar:

NM_000301.5(PLG):c.1550C>T (p.Thr517Ile)

Gene: PLG (plasminogen; plus strand). Cytogenetic location: 6q26.
Variant type: single nucleotide variant.
Coding change: c.1550C>T on transcript NM_000301.5 (MANE Select); coding-DNA position 1550, C replaced by T.
Protein change: p.Thr517Ile; replaces threonine 517 with isoleucine.
Molecular consequence: missense variant.
Genome position (GRCh38, 1-based): chr6:160,731,856, C>T. VCF-style: chr6-160731856-C-T. GRCh37 (hg19) VCF-style: chr6-161152888-C-T.
Other names: short protein forms T517I.
Identifiers: ClinVar variation 3021992 (VCV003021992.4), dbSNP rs377265821, ClinGen allele CA4087815.

ClinVar aggregate classification (germline): Uncertain significance. Review status: criteria provided, multiple submitters, no conflicts (2 of 4 stars). 2 submissions from 2 submitters: Uncertain significance (2). Last evaluated 2024-04-17.

Conditions:
Angioedema, hereditary, 4. Identifiers: MedGen C5543503, MONDO:0025712, OMIM 619360.
Plasminogen deficiency, type I. Also called: Hypoplasminogenemia; Type 1 plasminogen deficiency. Identifiers: Orphanet 722, MedGen C1968804, MONDO:0009009, OMIM 217090.

Allele frequency attached by ClinVar (database versions not stated): TOPMed 0.00001; ExAC 0.00002; gnomAD 0.00003; gnomAD exomes 0.00003; ESP Exome Variant Server 0.00008.
gnomAD v4.1: 46 of 1,614,020 alleles (0.0029%); highest among the groups gnomAD compares: Non-Finnish European, 0.0035%; no homozygotes.

Submissions (2):

Fulgent Genetics
Classification: Uncertain significance for Plasminogen deficiency, type I; Angioedema, hereditary, 4. Last evaluated: 2024-04-17. Review status: criteria provided, single submitter. Criteria: ACMG Guidelines, 2015. Collection method: clinical testing. Allele origin: germline.

Labcorp Genetics (formerly Invitae), Labcorp
Classification: Uncertain significance. Last evaluated: 2024-04-15. Review status: criteria provided, single submitter. Criteria: Invitae Variant Classification Sherloc (09022015). Collection method: clinical testing. Allele origin: germline.
Comment: This sequence change replaces threonine, which is neutral and polar, with isoleucine, which is neutral and non-polar, at codon 517 of the PLG protein (p.Thr517Ile). This variant is present in population databases (rs377265821, gnomAD 0.005%). This variant has not been reported in the literature in individuals affected with PLG-related conditions. Advanced modeling of protein sequence and biophysical properties (such as structural, functional, and spatial information, amino acid conservation, physicochemical variation, residue mobility, and thermodynamic stability) performed at Invitae indicates that this missense variant is not expected to disrupt PLG protein function with a negative predictive value of 80%. In summary, the available evidence is currently insufficient to determine the role of this variant in disease. Therefore, it has been classified as a Variant of Uncertain Significance.